The following is an entry in ClinVar:

ClinVar aggregate classification (germline): Uncertain significance. Review status: criteria provided, multiple submitters, no conflicts (2 of 4 stars). 3 submissions from 3 submitters: Uncertain significance (3). Last evaluated 2026-02-26.

Conditions:
Cardiovascular phenotype. Identifiers: MedGen CN230736.
Hereditary cancer-predisposing syndrome. Also called: Neoplastic Syndromes, Hereditary; Tumor predisposition; Hereditary Cancer Syndrome; Hereditary neoplastic syndrome. Identifiers: Orphanet 140162, MedGen C0027672, MeSH D009386, MONDO:0015356.
Neurofibromatosis, type 1 (NF1). Also called: Neurofibromatosis, type I; VON RECKLINGHAUSEN DISEASE; Peripheral type neurofibromatosis; NEUROFIBROMATOSIS, TYPE I, SOMATIC. Identifiers: Orphanet 636, MedGen C0027831, MONDO:0018975, OMIM 162200. Disease mechanism: loss of function.

Submissions (3):

GeneDx
Classification: Uncertain significance. Last evaluated: 2026-02-26. Review status: criteria provided, single submitter. Criteria: GeneDx Variant Classification Process June 2021. Collection method: clinical testing. Allele origin: germline.
Comment: Not observed at significant frequency in large population cohorts (gnomAD); In silico analysis supports that this missense variant has a deleterious effect on protein structure/function; Has not been previously published as pathogenic or benign to our knowledge; This variant is associated with the following publications: (PMID: 22807134)

Ambry Genetics
Classification: Uncertain significance for Cardiovascular phenotype; Hereditary cancer-predisposing syndrome. Last evaluated: 2023-02-06. Review status: criteria provided, single submitter. Criteria: Ambry Variant Classification Scheme 2023. Collection method: clinical testing. Allele origin: germline.

Labcorp Genetics (formerly Invitae), Labcorp
Classification: Uncertain significance for Neurofibromatosis, type 1. Last evaluated: 2017-06-21. Review status: criteria provided, single submitter. Criteria: Invitae Variant Classification Sherloc (09022015). Collection method: clinical testing. Allele origin: germline.
Comment: In summary, this variant is a novel missense change with uncertain impact on protein function. It has been classified as a Variant of Uncertain Significance. Algorithms developed to predict the effect of missense changes on protein structure and function do not agree on the potential impact of this missense change (SIFT: "Tolerated"; PolyPhen-2: "Probably Damaging"; Align-GVGD: "Class C0"). This variant is not present in population databases (ExAC no frequency) and has not been reported in the literature in individuals with an NF1-related disease. This sequence change replaces glycine with arginine at codon 1498 of the NF1 protein (p.Gly1498Arg). The glycine residue is moderately conserved and there is a moderate physicochemical difference between glycine and arginine.

NM_001042492.3(NF1):c.4555G>A (p.Gly1519Arg)

Gene: NF1 (neurofibromin 1; plus strand). Cytogenetic location: 17q11.2.
Variant type: single nucleotide variant.
Coding change: c.4555G>A on transcript NM_001042492.3 (MANE Select); coding-DNA position 4555, G replaced by A.
Protein change: p.Gly1519Arg; replaces glycine 1519 with arginine.
Molecular consequence: missense variant.
Genome position (GRCh38, 1-based): chr17:31,260,493, G>A. VCF-style: chr17-31260493-G-A. GRCh37 (hg19) VCF-style: chr17-29587511-G-A.
Other names: c.4492G>A, p.Gly1498Arg (NM_000267.4); short protein forms G1498R, G1519R.
Identifiers: ClinVar variation 404607 (VCV000404607.8), dbSNP rs1060500380, ClinGen allele CA16615248.